The following is an entry in ClinVar:

ClinVar aggregate classification (germline): Likely benign (1 of 4 stars; one submission).

Allele frequency attached by ClinVar (database versions not stated): 1000 Genomes Project 0.00100; 1000 Genomes Project 30x 0.00125; gnomAD 0.00146; TOPMed 0.00153.
gnomAD v4.1: 3,593 of 1,606,162 alleles (0.22%); highest among the groups gnomAD compares: Non-Finnish European, 0.27%; 7 homozygotes.

Submission:

CeGaT Center for Human Genetics Tuebingen
Classification: Likely benign. Last evaluated: 2026-09-01. Review status: criteria provided, single submitter. Criteria: CeGaT Center For Human Genetics Tuebingen Variant Classification Criteria Version 2. Collection method: clinical testing. Allele origin: germline. Affected: yes. Observed: 15 variant alleles.
Comment: LMNA: BS2

NM_170707.4(LMNA):c.1968+62G>T

Gene: LMNA (lamin A/C; plus strand). Cytogenetic location: 1q22.
Variant type: single nucleotide variant.
Coding change: c.1968+62G>T on transcript NM_170707.4 (MANE Select); 62 bases into the intron after coding-DNA position 1968, G replaced by T.
Molecular consequence: intron variant.
Genome position (GRCh38, 1-based): chr1:156,138,819, G>T. VCF-style: chr1-156138819-G-T. GRCh37 (hg19) VCF-style: chr1-156108610-G-T.
Other names: c.1968+62G>T (NM_001406983.1, NM_001406991.1, NM_001406985.1); c.1410+62G>T (NM_001406993.1, NM_001406995.1, NM_001406990.1 and 2 more transcripts); c.1344+62G>T (NM_001406999.1, NM_001407000.1, NM_001406994.1 and 1 more transcripts); c.1725+62G>T (NM_001406986.1, NM_001406987.1); c.1818+212G>T (NM_001282626.2); c.1878+62G>T (NM_170708.4); c.1632+62G>T (NM_001406989.1, NM_001257374.3); c.1671+62G>T (NM_001406988.1).
Identifiers: ClinVar variation 2498430 (VCV002498430.28), dbSNP rs572131902, ClinGen allele CA31015865.
Genomic context (GRCh38, chr1:156,138,819, plus strand): 5'-TGAGTTGTCTCTGCTTTGTCTCCAAATCCTGCAGGCGGGTCCCTGGTCATCGAGGGGTAG[G>T]ACGAGGTGGCCTTGCAGGGGGGAGAGCCTGCCTTCTCTTCCGCAGCCCGGGGGAGTGGGA-3'